The following is an entry in ClinVar:

NM_030962.4(SBF2):c.1571A>C (p.Lys524Thr)

Gene: SBF2 (SET binding factor 2; minus strand). Cytogenetic location: 11p15.4.
Variant type: single nucleotide variant.
Coding change: c.1571A>C on transcript NM_030962.4 (MANE Select); coding-DNA position 1571, A replaced by C.
Protein change: p.Lys524Thr; replaces lysine 524 with threonine.
Molecular consequence: missense variant.
Genome position (GRCh38, 1-based): chr11:9,968,370, T>G on the plus strand (A>C on the coding strand, the complement: SBF2 is on the minus strand). VCF-style: chr11-9968370-T-G. GRCh37 (hg19) VCF-style: chr11-9989917-T-G.
Other names: c.1571A>C, p.Lys524Thr (NM_001386339.1); c.1442A>C, p.Lys481Thr (NM_001386342.1); short protein forms K524T, K481T.
Identifiers: ClinVar variation 1025428 (VCV001025428.9), dbSNP rs1207040016, ClinGen allele CA379629537.
Genomic context (GRCh38, chr11:9,968,370, plus strand): 5'-TTACTTTTAAAACAGACAGACAAATACATACCAACAGGTGGACCTGCTGGCACAACACAT[T>G]TCTTTTCTATTCGTGTGGCAGGAGGTGCATTCTGGTTCTTAGCAACATTTTCCTGTATTA-3'
Protein context (NP_112224.1, residues 514-534): NAPPATRIEK[Lys524Thr]CVVPAGPPVV

ClinVar aggregate classification (germline): Uncertain significance (1 of 4 stars; one submission).

Conditions:
Charcot-Marie-Tooth disease type 4. Also called: Charcot-Marie-Tooth disease, type IV; Charcot-Marie-Tooth, Type 4. Identifiers: Orphanet 64749, MedGen C4082197, MONDO:0018995.

Allele frequency attached by ClinVar (database versions not stated): gnomAD exomes below 0.00001.
gnomAD v4.1: 2 of 1,614,136 alleles (0.00012%); highest among the groups gnomAD compares: Non-Finnish European, 0.00017%; no homozygotes.

Submission:

Labcorp Genetics (formerly Invitae), Labcorp
Classification: Uncertain significance for Charcot-Marie-Tooth disease type 4. Last evaluated: 2020-02-27. Review status: criteria provided, single submitter. Criteria: Invitae Variant Classification Sherloc (09022015). Collection method: clinical testing. Allele origin: germline.
Comment: This sequence change replaces lysine with threonine at codon 524 of the SBF2 protein (p.Lys524Thr). The lysine residue is moderately conserved and there is a moderate physicochemical difference between lysine and threonine. This variant is not present in population databases (ExAC no frequency). This variant has not been reported in the literature in individuals with SBF2-related conditions. Algorithms developed to predict the effect of missense changes on protein structure and function are either unavailable or do not agree on the potential impact of this missense change (SIFT: "Deleterious"; PolyPhen-2: "Benign"; Align-GVGD: "Class C0"). In summary, the available evidence is currently insufficient to determine the role of this variant in disease. Therefore, it has been classified as a Variant of Uncertain Significance.